The following is an entry in ClinVar:

ClinVar aggregate classification (germline): Pathogenic. Review status: criteria provided, multiple submitters, no conflicts (2 of 4 stars). 4 submissions from 4 submitters: Pathogenic (2). 2 of the submissions do not count toward it. Last evaluated 2022-01-28.

Conditions:
KIAA0753-related disorder.
Short-rib thoracic dysplasia 21 without polydactyly. Identifiers: MedGen C5561961, MONDO:0030356, OMIM 619479.
Joubert syndrome. Also called: Familial aplasia of the vermis; JOUBERT-BOLTSHAUSER SYNDROME. Identifiers: Orphanet 475, MedGen C5979921, MONDO:0018772.
Jeune thoracic dystrophy. Also called: Jeune syndrome; Infantile thoracic dystrophy; Thoracic pelvic phalangeal dystrophy; Jeune's syndrome; Chondroectodermal dysplasia-like syndrome; Short-rib thoracic dysplasia. Identifiers: Orphanet 474, MedGen C0265275, MONDO:0018770.

Allele frequency attached by ClinVar (database versions not stated): gnomAD 0.00001; gnomAD exomes 0.00002; TOPMed 0.00002; ExAC 0.00003.
gnomAD v4.1: 14 of 1,614,022 alleles (0.00087%); highest among the groups gnomAD compares: Non-Finnish European, 0.0012%; no homozygotes.

Submissions (4):

Blueprint Genetics
Classification: Pathogenic for KIAA0753-related disorders. Last evaluated: 2022-01-28. Review status: criteria provided, single submitter. Criteria: ACMG Guidelines, 2015. Collection method: clinical testing. Allele origin: germline. Affected: yes. Observed: 5 variant alleles.

GeneDx
Classification: Pathogenic. Last evaluated: 2018-12-24. Review status: criteria provided, single submitter. Criteria: GeneDx Variant Classification (06012015). Collection method: clinical testing. Allele origin: germline. Affected: yes.
Comment: The Q315X variant in the KIAA0753 gene has been reported previously in the compound heterozygous state with another KIAA0753 variant in a fetus with short-rib thoracic dysplasia (Hammarsjo et al., 2017). This variant is predicted to cause loss of normal protein function either through protein truncation or nonsense-mediated mRNA decay. unction either through protein truncation or nonsense-mediated mRNA decay. The Q315X variant is observed in 6/126332 (0.0047%) alleles from individuals of European (non-Finnish) background in large population cohorts, and no individuals were reported to be homozygous (Lek et al., 2016). We interpret Q315X as a pathogenic variant.

OMIM
Classification: Pathogenic for SHORT-RIB THORACIC DYSPLASIA 21. Last evaluated: 2021-10-07. Review status: no assertion criteria provided. Collection method: literature only. Allele origin: germline. Not counted in ClinVar's aggregate classification.

Rare Disease Group, Clinical Genetics, Karolinska Institutet
Classification: Pathogenic for Jeune thoracic dystrophy; Joubert syndrome. Last evaluated: 2017-06-21. Review status: no assertion criteria provided. Collection method: research. Allele origin: inherited, not applicable. Inheritance: Autosomal recessive inheritance. Affected: yes. Observed: 1 variant allele, 1 compound heterozygote. Not counted in ClinVar's aggregate classification.

Literature cited by the submitters: PubMed 29138412 (cited by OMIM and Rare Disease Group, Clinical Genetics, Karolinska Institutet); PubMed 31816441 (cited by OMIM).

NM_014804.3(KIAA0753):c.943C>T (p.Gln315Ter)

Gene: KIAA0753 (KIAA0753; minus strand). Cytogenetic location: 17p13.1.
Variant type: single nucleotide variant.
Coding change: c.943C>T on transcript NM_014804.3 (MANE Select); coding-DNA position 943, C replaced by T.
Protein change: p.Gln315Ter; replaces glutamine 315 with a stop codon.
Molecular consequence: nonsense. On other transcripts: non-coding transcript variant (3).
Genome position (GRCh38, 1-based): chr17:6,623,043, G>A on the plus strand (C>T on the coding strand, the complement: KIAA0753 is on the minus strand). VCF-style: chr17-6623043-G-A. GRCh37 (hg19) VCF-style: chr17-6526363-G-A.
Other names: OFIP; MNR; c.46C>T, p.Gln16Ter (NM_001351225.2); short protein forms Q315*, Q16*.
Identifiers: ClinVar variation 428615 (VCV000428615.6), dbSNP rs762771340, ClinGen allele CA8330644.